The following is an entry in ClinVar:

NM_001101.5(ACTB):c.142G>T (p.Gly48Cys)

Gene: ACTB (actin beta; minus strand). Cytogenetic location: 7p22.1.
Variant type: single nucleotide variant.
Coding change: c.142G>T on transcript NM_001101.5 (MANE Select); coding-DNA position 142, G replaced by T.
Protein change: p.Gly48Cys; replaces glycine 48 with cysteine.
Molecular consequence: missense variant.
Genome position (GRCh38, 1-based): chr7:5,529,382, C>A on the plus strand (G>T on the coding strand, the complement: ACTB is on the minus strand). VCF-style: chr7-5529382-C-A. GRCh37 (hg19) VCF-style: chr7-5569013-C-A.
Other names: short protein forms G48C.
Identifiers: ClinVar variation 1320256 (VCV001320256.1), dbSNP rs2128241410, ClinGen allele CA366706312.
Genomic context (GRCh38, chr7:5,529,382, plus strand): 5'-TCAGGGTGAGGATGCCTCTCTTGCTCTGGGCCTCGTCGCCCACATAGGAATCCTTCTGAC[C>A]CATGCCCACCATCACGCCCTGGGAAGGAAAGGACAAGAAGCCCTGAGCACGGGCGCAGCC-3'
Protein context (NP_001092.1, residues 38-58): PRHQGVMVGM[Gly48Cys]QKDSYVGDEA

ClinVar aggregate classification (germline): Likely pathogenic (1 of 4 stars; one submission).

Conditions:
Baraitser-Winter syndrome 1 (BRWS1). Also called: BARAITSER-WINTER SYNDROME 1, ATYPICAL; PACHYGYRIA, MENTAL RETARDATION, EPILEPSY, AND CHARACTERISTIC FACIES; MENTAL RETARDATION WITH EPILEPSY AND CHARACTERISTIC FACIES; Cerebrofrontofacial syndrome. Identifiers: Orphanet 2649, Orphanet 2995, MedGen C1855722, MONDO:0009470, OMIM 243310.

Submission:

3billion
Classification: Likely pathogenic for Baraitser-Winter syndrome 1. Last evaluated: 2021-10-02. Review status: criteria provided, single submitter. Criteria: ACMG Guidelines, 2015. Collection method: clinical testing. Allele origin: germline. Affected: yes. Observed: 1 heterozygote.
Comment: It is not observed in the gnomAD v2.1.1 dataset (PM2). The variant was observed as assumed (i.e. paternity and maternity not confirmed) de novoo (3billion dataset, PM6). Missense changes are a common disease-causing mechanism (PP2). In silico tool predictions suggest damaging effect of the variant on gene or gene product (REVEL: 0.811, 3Cnet: 0.958, PP3: 0.882). Therefore, this variant is classified as pathogenic according to the recommendation of ACMG/AMP guideline.